The following is an entry in ClinVar:

ClinVar aggregate classification (germline): Pathogenic (1 of 4 stars; one submission).

Conditions:
Joubert syndrome. Also called: CEREBELLOPARENCHYMAL DISORDER IV; JOUBERT-BOLTSHAUSER SYNDROME; Familial aplasia of the vermis. Identifiers: Orphanet 475, MedGen C5979921, MONDO:0018772.
Nephronophthisis. Also called: Juvenile Nephronophthisis. Identifiers: Orphanet 655, MedGen C0687120, MONDO:0019005, HP:0000090.
Meckel-Gruber syndrome. Also called: DYSENCEPHALIA SPLANCHNOCYSTICA; GRUBER SYNDROME; Dysencephalia splachnocystica. Identifiers: Orphanet 564, MedGen C0265215, MONDO:0018921.

Submission:

Labcorp Genetics (formerly Invitae), Labcorp
Classification: Pathogenic for Joubert syndrome; Meckel-Gruber syndrome; Nephronophthisis. Last evaluated: 2024-02-11. Review status: criteria provided, single submitter. Criteria: Invitae Variant Classification Sherloc (09022015). Collection method: clinical testing. Allele origin: germline.
Comment: This sequence change creates a premature translational stop signal (p.Trp7*) in the CEP290 gene. It is expected to result in an absent or disrupted protein product. Loss-of-function variants in CEP290 are known to be pathogenic (PMID: 16909394, 17345604, 20690115). This variant is not present in population databases (gnomAD no frequency). This variant has not been reported in the literature in individuals affected with CEP290-related conditions. For these reasons, this variant has been classified as Pathogenic.

Literature cited by the submitters: PubMed 16909394; PubMed 17345604; PubMed 20690115.

NM_025114.4(CEP290):c.20G>A (p.Trp7Ter)

Gene: CEP290 (centrosomal protein 290; minus strand). Cytogenetic location: 12q21.32.
Variant type: single nucleotide variant.
Coding change: c.20G>A on transcript NM_025114.4 (MANE Select); coding-DNA position 20, G replaced by A.
Protein change: p.Trp7Ter; replaces tryptophan 7 with a stop codon.
Molecular consequence: nonsense.
Genome position (GRCh38, 1-based): chr12:88,141,288, C>T on the plus strand (G>A on the coding strand, the complement: CEP290 is on the minus strand). VCF-style: chr12-88141288-C-T. GRCh37 (hg19) VCF-style: chr12-88535065-C-T.
Other names: short protein forms W7*.
Identifiers: ClinVar variation 3750098 (VCV003750098.2).